The following is an entry in ClinVar:

NM_004380.3(CREBBP):c.1207G>T (p.Ala403Ser)

Gene: CREBBP (CREB binding protein; minus strand). Cytogenetic location: 16p13.3.
Variant type: single nucleotide variant.
Coding change: c.1207G>T on transcript NM_004380.3 (MANE Select); coding-DNA position 1207, G replaced by T.
Protein change: p.Ala403Ser; replaces alanine 403 with serine.
Molecular consequence: missense variant.
Genome position (GRCh38, 1-based): chr16:3,793,395, C>A on the plus strand (G>T on the coding strand, the complement: CREBBP is on the minus strand). VCF-style: chr16-3793395-C-A. GRCh37 (hg19) VCF-style: chr16-3843396-C-A.
Other names: c.1207G>T, p.Ala403Ser (NM_001079846.1); short protein forms A403S.
Identifiers: ClinVar variation 3343496 (VCV003343496.1).

ClinVar aggregate classification (germline): Uncertain significance (1 of 4 stars; one submission).

Submission:

GeneDx
Classification: Uncertain significance. Last evaluated: 2023-05-15. Review status: criteria provided, single submitter. Criteria: GeneDx Variant Classification Process June 2021. Collection method: clinical testing. Allele origin: germline. Affected: yes.
Comment: Not observed at significant frequency in large population cohorts (gnomAD); In silico analysis supports that this missense variant does not alter protein structure/function; Has not been previously published as pathogenic or benign to our knowledge